The following is an entry in ClinVar:

ClinVar aggregate classification (germline): Pathogenic. Review status: criteria provided, single submitter (1 of 4 stars). 2 submissions from 2 submitters: Pathogenic (1). 1 of the submissions does not count toward it. Last evaluated 2024-04-06.

Conditions:
Autosomal recessive ataxia due to ubiquinone deficiency. Also called: Coenzyme Q10 deficiency, primary, 4; SPINOCEREBELLAR ATAXIA, AUTOSOMAL RECESSIVE 9. Identifiers: Orphanet 139485, MedGen C2677589, MONDO:0012784, OMIM 612016.

Allele frequency attached by ClinVar (database versions not stated): gnomAD exomes 0.00001; ExAC 0.00001; gnomAD 0.00001; TOPMed 0.00001.
gnomAD v4.1: 15 of 1,613,880 alleles (0.00093%); highest among the groups gnomAD compares: African/African-American, 0.0013%; no homozygotes.

Submissions (2):

Labcorp Genetics (formerly Invitae), Labcorp
Classification: Pathogenic. Last evaluated: 2024-04-06. Review status: criteria provided, single submitter. Criteria: Invitae Variant Classification Sherloc (09022015). Collection method: clinical testing. Allele origin: germline.
Comment: This sequence change creates a premature translational stop signal (p.Leu379*) in the COQ8A gene. It is expected to result in an absent or disrupted protein product. Loss-of-function variants in COQ8A are known to be pathogenic (PMID: 18319074, 20580948). This variant is present in population databases (rs747150601, gnomAD 0.0009%). This premature translational stop signal has been observed in individual(s) with cerebellar ataxia (PMID: 20580948). ClinVar contains an entry for this variant (Variation ID: 375329). For these reasons, this variant has been classified as Pathogenic.

GeneReviews
No classification provided. Condition: Autosomal recessive ataxia due to ubiquinone deficiency. Review status: no classification provided. Collection method: literature only. Allele origin: germline. Not counted in ClinVar's aggregate classification.

Literature cited by the submitters: PubMed 18319074 (cited by Labcorp Genetics (formerly Invitae), Labcorp); PubMed 20580948 (cited by Labcorp Genetics (formerly Invitae), Labcorp); NCBI Bookshelf NBK410087 (cited by GeneReviews).

NM_020247.5(COQ8A):c.1136T>A (p.Leu379Ter)

Gene: COQ8A (coenzyme Q8A; plus strand). Cytogenetic location: 1q42.13.
Variant type: single nucleotide variant.
Coding change: c.1136T>A on transcript NM_020247.5 (MANE Select); coding-DNA position 1136, T replaced by A.
Protein change: p.Leu379Ter; replaces leucine 379 with a stop codon.
Molecular consequence: nonsense.
Genome position (GRCh38, 1-based): chr1:226,983,607, T>A. VCF-style: chr1-226983607-T-A. GRCh37 (hg19) VCF-style: chr1-227171308-T-A.
Other names: short protein forms L379*.
Identifiers: ClinVar variation 375329 (VCV000375329.6), dbSNP rs747150601, ClinGen allele CA1425322.